The following is an entry in ClinVar:

NM_001673.5(ASNS):c.1476+5A>G

Genes: ASNS (asparagine synthetase (glutamine-hydrolyzing); minus strand), CZ1P-ASNS (CZ1P-ASNS readthrough; minus strand). Cytogenetic location: 7q21.3.
Variant type: single nucleotide variant.
Coding change: c.1476+5A>G on transcript NM_001673.5 (MANE Select); 5 bases into the intron after coding-DNA position 1476, A replaced by G.
Molecular consequence: intron variant.
Genome position (GRCh38, 1-based): chr7:97,853,055, T>C on the plus strand (A>G on the coding strand, the complement: ASNS is on the minus strand). VCF-style: chr7-97853055-T-C. GRCh37 (hg19) VCF-style: chr7-97482367-T-C.
Other names: c.1476+5A>G (NM_001352496.2, NM_183356.4, NM_133436.3); c.1227+5A>G (NM_001178076.2, NM_001178077.1); c.1413+5A>G (NM_001178075.2).
Identifiers: ClinVar variation 2199201 (VCV002199201.2), dbSNP rs773038158, ClinGen allele CA4354498.

ClinVar aggregate classification (germline): Uncertain significance (1 of 4 stars; one submission).

Allele frequency attached by ClinVar (database versions not stated): ExAC 0.00001; gnomAD exomes 0.00002; gnomAD 0.00004; TOPMed 0.00007.
gnomAD v4.1: 27 of 1,558,650 alleles (0.0017%); highest among the groups gnomAD compares: Non-Finnish European, 0.0023%; no homozygotes.

Submission:

Labcorp Genetics (formerly Invitae), Labcorp
Classification: Uncertain significance. Last evaluated: 2024-09-16. Review status: criteria provided, single submitter. Criteria: Invitae Variant Classification Sherloc (09022015). Collection method: clinical testing. Allele origin: germline.
Comment: This sequence change falls in intron 12 of the ASNS gene. It does not directly change the encoded amino acid sequence of the ASNS protein. It affects a nucleotide within the consensus splice site. This variant is present in population databases (rs773038158, gnomAD 0.002%). This variant has not been reported in the literature in individuals affected with ASNS-related conditions. ClinVar contains an entry for this variant (Variation ID: 2199201). Variants that disrupt the consensus splice site are a relatively common cause of aberrant splicing (PMID: 17576681, 9536098). Algorithms developed to predict the effect of sequence changes on RNA splicing suggest that this variant is not likely to affect RNA splicing. In summary, the available evidence is currently insufficient to determine the role of this variant in disease. Therefore, it has been classified as a Variant of Uncertain Significance.

Literature cited by the submitters: PubMed 17576681; PubMed 9536098.